The following is an entry in ClinVar:

NM_000551.4(VHL):c.597G>C (p.Glu199Asp)

Genes: VHL (von Hippel-Lindau tumor suppressor; plus strand), LOC107303340 (3p25 von Hippel-Lindau tumor suppressor, E3 ubiquitin protein ligase Alu-mediated recombination region; plus strand). Cytogenetic location: 3p25.3.
Variant type: single nucleotide variant.
Coding change: c.597G>C on transcript NM_000551.4 (MANE Select); coding-DNA position 597, G replaced by C.
Protein change: p.Glu199Asp; replaces glutamic acid 199 with aspartic acid.
Molecular consequence: missense variant. On other transcripts: 3 prime UTR variant (1), non-coding transcript variant (1).
Genome position (GRCh38, 1-based): chr3:10,149,920, G>C. VCF-style: chr3-10149920-G-C. GRCh37 (hg19) VCF-style: chr3-10191604-G-C.
Other names: c.*151G>C (NM_001354723.2); c.474G>C, p.Glu158Asp (NM_198156.3); short protein forms E199D, E158D.
Identifiers: ClinVar variation 3468033 (VCV003468033.3).

ClinVar aggregate classification (germline): Conflicting classifications of pathogenicity. Review status: criteria provided, conflicting classifications (1 of 4 stars). 2 submissions from 2 submitters: Uncertain significance (1); Likely benign (1). Last evaluated 2024-11-06.

Conditions:
Chuvash polycythemia. Also called: POLYCYTHEMIA, VHL-DEPENDENT. Identifiers: Orphanet 238557, MedGen C1837915, MONDO:0009892, OMIM 263400.
Von Hippel-Lindau syndrome (VHLS). Also called: VHL syndrome; von Hippel–Lindau syndrome; Von Hippel-Lindau. Identifiers: Orphanet 892, MedGen C0019562, MONDO:0008667, OMIM 193300. Disease mechanism: loss of function.
Hereditary cancer-predisposing syndrome. Also called: Hereditary Cancer Syndrome; Hereditary neoplastic syndrome; Neoplastic Syndromes, Hereditary; Tumor predisposition. Identifiers: Orphanet 140162, MedGen C0027672, MeSH D009386, MONDO:0015356.

Submissions (2):

Ambry Genetics
Classification: Likely benign for Hereditary cancer-predisposing syndrome. Last evaluated: 2024-11-06. Review status: criteria provided, single submitter. Criteria: Ambry Variant Classification Scheme 2023. Collection method: clinical testing. Allele origin: germline.

Labcorp Genetics (formerly Invitae), Labcorp
Classification: Uncertain significance for Von Hippel-Lindau syndrome; Chuvash polycythemia. Last evaluated: 2024-02-01. Review status: criteria provided, single submitter. Criteria: Invitae Variant Classification Sherloc (09022015). Collection method: clinical testing. Allele origin: germline.
Comment: This sequence change replaces glutamic acid, which is acidic and polar, with aspartic acid, which is acidic and polar, at codon 199 of the VHL protein (p.Glu199Asp). This variant is not present in population databases (gnomAD no frequency). This variant has not been reported in the literature in individuals affected with VHL-related conditions. Advanced modeling of protein sequence and biophysical properties (such as structural, functional, and spatial information, amino acid conservation, physicochemical variation, residue mobility, and thermodynamic stability) has been performed at Invitae for this missense variant, however the output from this modeling did not meet the statistical confidence thresholds required to predict the impact of this variant on VHL protein function. In summary, the available evidence is currently insufficient to determine the role of this variant in disease. Therefore, it has been classified as a Variant of Uncertain Significance.

Literature cited by the submitters: PubMed 38969834 (cited by Ambry Genetics).